The following is an entry in ClinVar:

NM_201525.4(ADGRG1):c.1286+2T>A

Gene: ADGRG1 (adhesion G protein-coupled receptor G1; plus strand). Cytogenetic location: 16q21.
Variant type: single nucleotide variant.
Coding change: c.1286+2T>A on transcript NM_201525.4 (MANE Select); the canonical splice donor site of the intron after coding-DNA position 1286, T replaced by A.
Molecular consequence: splice donor variant.
Genome position (GRCh38, 1-based): chr16:57,657,493, T>A. VCF-style: chr16-57657493-T-A. GRCh37 (hg19) VCF-style: chr16-57691405-T-A.
Other names: NC_000016.9:g.57691405T>A; c.1286+2T>A (NM_001370440.1, NM_001370428.1, NM_001370436.1 and 14 more transcripts); c.776+2T>A (NM_001290142.2); c.761+2T>A (NM_001370451.1, NM_001290143.2, NM_001370453.1 and 2 more transcripts); c.1283+2T>A (NM_001370434.1, NM_001370441.1); c.1130+2T>A (NM_001370442.1); c.1301+2T>A (NM_001370433.1, NM_001145773.3).
Identifiers: ClinVar variation 4413361 (VCV004413361.2).

ClinVar aggregate classification (germline): Likely pathogenic (1 of 4 stars; one submission).

Submissions (2):

Labcorp Genetics (formerly Invitae), Labcorp
Classification: Likely pathogenic. Last evaluated: 2025-08-04. Review status: criteria provided, single submitter. Criteria: Invitae Variant Classification Sherloc (09022015). Collection method: clinical testing. Allele origin: germline.
Comment: This sequence change affects a donor splice site in intron 11 of the ADGRG1 gene. It is expected to disrupt RNA splicing. Variants that disrupt the donor or acceptor splice site typically lead to a loss of protein function (PMID: 16199547), and loss-of-function variants in ADGRG1 are known to be pathogenic (PMID: 15044805, 20929962). This variant is present in population databases (rs773547610, gnomAD 0.003%). This variant has not been reported in the literature in individuals affected with ADGRG1-related conditions. Algorithms developed to predict the effect of sequence changes on RNA splicing suggest that this variant may disrupt the consensus splice site. In summary, the currently available evidence indicates that the variant is pathogenic, but additional data are needed to prove that conclusively. Therefore, this variant has been classified as Likely Pathogenic.

Dr. Peter K. Rogan Lab, Western University
No classification provided (evidence only). Condition: Familial cancer of breast. Review status: no classification provided. Collection method: in vitro. Allele origin: not applicable. Functional consequence: skipped exon, retained intron. Not counted in ClinVar's aggregate classification.

Literature cited by the submitters: PubMed 16199547 (cited by Labcorp Genetics (formerly Invitae), Labcorp); PubMed 15044805 (cited by Labcorp Genetics (formerly Invitae), Labcorp); PubMed 20929962 (cited by Labcorp Genetics (formerly Invitae), Labcorp).